The following is an entry in ClinVar:

NM_021927.3(GUF1):c.985A>T (p.Thr329Ser)

Gene: GUF1 (GTP binding elongation factor GUF1; plus strand). Cytogenetic location: 4p12.
Variant type: single nucleotide variant.
Coding change: c.985A>T on transcript NM_021927.3 (MANE Select); coding-DNA position 985, A replaced by T.
Protein change: p.Thr329Ser; replaces threonine 329 with serine.
Molecular consequence: missense variant.
Genome position (GRCh38, 1-based): chr4:44,688,053, A>T. VCF-style: chr4-44688053-A-T. GRCh37 (hg19) VCF-style: chr4-44690070-A-T.
Other names: c.13A>T, p.Thr5Ser (NM_001345867.2, NM_001345869.2); c.985A>T, p.Thr329Ser (NM_001345868.2); short protein forms T329S, T5S.
Identifiers: ClinVar variation 3668684 (VCV003668684.2).

ClinVar aggregate classification (germline): Uncertain significance (1 of 4 stars; one submission).

gnomAD v4.1: 3 of 1,612,394 alleles (0.00019%); highest among the groups gnomAD compares: Non-Finnish European, 0.00025%; no homozygotes.

Submission:

Labcorp Genetics (formerly Invitae), Labcorp
Classification: Uncertain significance. Last evaluated: 2024-03-20. Review status: criteria provided, single submitter. Criteria: Invitae Variant Classification Sherloc (09022015). Collection method: clinical testing. Allele origin: germline.
Comment: This sequence change replaces threonine, which is neutral and polar, with serine, which is neutral and polar, at codon 329 of the GUF1 protein (p.Thr329Ser). This variant is not present in population databases (gnomAD no frequency). This variant has not been reported in the literature in individuals affected with GUF1-related conditions. Advanced modeling of protein sequence and biophysical properties (such as structural, functional, and spatial information, amino acid conservation, physicochemical variation, residue mobility, and thermodynamic stability) performed at Invitae indicates that this missense variant is not expected to disrupt GUF1 protein function with a negative predictive value of 80%. In summary, the available evidence is currently insufficient to determine the role of this variant in disease. Therefore, it has been classified as a Variant of Uncertain Significance.